The following is an entry in ClinVar:

NM_001035.3(RYR2):c.2350A>G (p.Ile784Val)

Gene: RYR2 (ryanodine receptor 2; plus strand). Cytogenetic location: 1q43.
Variant type: single nucleotide variant.
Coding change: c.2350A>G on transcript NM_001035.3 (MANE Select); coding-DNA position 2350, A replaced by G.
Protein change: p.Ile784Val; replaces isoleucine 784 with valine.
Molecular consequence: missense variant.
Genome position (GRCh38, 1-based): chr1:237,500,857, A>G. VCF-style: chr1-237500857-A-G. GRCh37 (hg19) VCF-style: chr1-237664157-A-G.
Other names: short protein forms I784V.
Identifiers: ClinVar variation 1050849 (VCV001050849.11), dbSNP rs794728729, ClinGen allele CA345393308.

ClinVar aggregate classification (germline): Uncertain significance. Review status: criteria provided, multiple submitters, no conflicts (2 of 4 stars). 4 submissions from 4 submitters: Uncertain significance (4). Last evaluated 2023-06-26.

Conditions:
Catecholaminergic polymorphic ventricular tachycardia (CVPT). Also called: Catecholamine-induced polymorphic ventricular tachycardia. Identifiers: Orphanet 3286, MedGen C5574922, MONDO:0017990.
Catecholaminergic polymorphic ventricular tachycardia 1. Also called: VENTRICULAR TACHYCARDIA, STRESS-INDUCED POLYMORPHIC 1; VENTRICULAR TACHYCARDIA, CATECHOLAMINERGIC POLYMORPHIC, 1, WITH OR WITHOUT ATRIAL DYSFUNCTION AND/OR DILATED CARDIOMYOPATHY; RYR2-Related Catecholaminergic Polymorphic Ventricular Tachycardia. Identifiers: Orphanet 3286, MedGen C1631597, MONDO:0011484, OMIM 604772.
Cardiomyopathy (CMYO). Also called: Cardiomyopathies. Identifiers: Orphanet 167848, MedGen C0878544, MONDO:0004994, HP:0001638. Inheritance: Various modes of inheritance.

gnomAD v4.1: 2 of 1,614,042 alleles (0.00012%); highest among the groups gnomAD compares: Admixed American, 0.0017%; no homozygotes.

Submissions (4):

All of Us Research Program, National Institutes of Health
Classification: Uncertain significance for Catecholaminergic polymorphic ventricular tachycardia. Last evaluated: 2023-06-26. Review status: criteria provided, single submitter. Criteria: ACMG Guidelines, 2015. Collection method: clinical testing. Allele origin: germline. Inheritance: Autosomal dominant inheritance. Observed: 1 variant allele, 1 heterozygote.
Comment: This missense variant replaces isoleucine with valine at codon 784 of the RYR2 protein. Computational prediction suggests that this variant may not impact protein structure and function (internally defined REVEL score threshold <= 0.5, PMID: 27666373). To our knowledge, functional studies have not been reported for this variant. This variant has not been reported in individuals affected with RYR2-related disorders in the literature. This variant has been identified in 2/249286 chromosomes in the general population by the Genome Aggregation Database (gnomAD). The available evidence is insufficient to determine the role of this variant in disease conclusively. Therefore, this variant is classified as a Variant of Uncertain Significance.

This study involves interpretation of variants in research participants for the purpose of population health screening. Participant phenotype was not available at the time of variant classification. Additional details can be found in publication PMID: 35346344, PMCID: PMC8962531

Color Diagnostics, LLC DBA Color Health
Classification: Uncertain significance for Cardiomyopathy. Last evaluated: 2023-06-14. Review status: criteria provided, single submitter. Criteria: ACMG Guidelines, 2015. Collection method: clinical testing. Allele origin: germline.
Comment: This missense variant replaces isoleucine with valine at codon 784 of the RYR2 protein. Computational prediction suggests that this variant may not impact protein structure and function. To our knowledge, functional studies have not been reported for this variant. This variant has not been reported in individuals affected with RYR2-related disorders in the literature. This variant has been identified in 2/249286 chromosomes in the general population by the Genome Aggregation Database (gnomAD). The available evidence is insufficient to determine the role of this variant in disease conclusively. Therefore, this variant is classified as a Variant of Uncertain Significance.

Labcorp Genetics (formerly Invitae), Labcorp
Classification: Uncertain significance for Catecholaminergic polymorphic ventricular tachycardia 1. Last evaluated: 2021-05-08. Review status: criteria provided, single submitter. Criteria: Invitae Variant Classification Sherloc (09022015). Collection method: clinical testing. Allele origin: germline.
Comment: Advanced modeling of protein sequence and biophysical properties (such as structural, functional, and spatial information, amino acid conservation, physicochemical variation, residue mobility, and thermodynamic stability) performed at Invitae indicates that this missense variant is not expected to disrupt RYR2 protein function. This variant has not been reported in the literature in individuals with RYR2-related conditions. This variant is not present in population databases (ExAC no frequency). This sequence change replaces isoleucine with valine at codon 784 of the RYR2 protein (p.Ile784Val). The isoleucine residue is highly conserved and there is a small physicochemical difference between isoleucine and valine. In summary, the available evidence is currently insufficient to determine the role of this variant in disease. Therefore, it has been classified as a Variant of Uncertain Significance.

Women's Health and Genetics/Laboratory Corporation of America, LabCorp
Classification: Uncertain significance. Last evaluated: 2021-03-25. Review status: criteria provided, single submitter. Criteria: LabCorp Variant Classification Summary - May 2015. Collection method: clinical testing. Allele origin: germline.
Comment: Variant summary: RYR2 c.2350A>G (p.Ile784Val) results in a conservative amino acid change located in the SPRY domain of the encoded protein sequence. Five of five in-silico tools predict a benign effect of the variant on protein function. The variant allele was found at a frequency of 8e-06 in 249286 control chromosomes. The available data on variant occurrences in the general population are insufficient to allow any conclusion about variant significance. To our knowledge, no occurrence of c.2350A>G in individuals affected with Catecholaminergic Polymorphic Ventricular Tachycardia and no experimental evidence demonstrating its impact on protein function have been reported. Co-occurrence with a pathogenic variant has been reported (MYBPC3 c.1624G>C, p.Glu542Gln), providing supporting evidence for a benign role. No clinical diagnostic laboratories have submitted clinical-significance assessments for this variant to ClinVar after 2014. Based on the evidence outlined above, the variant was classified as uncertain significance.